The following is an entry in ClinVar:

ClinVar aggregate classification (germline): Uncertain significance (1 of 4 stars; one submission).

Conditions:
Hereditary cancer-predisposing syndrome. Also called: Tumor predisposition; Hereditary Cancer Syndrome; Neoplastic Syndromes, Hereditary; Hereditary neoplastic syndrome. Identifiers: Orphanet 140162, MedGen C0027672, MeSH D009386, MONDO:0015356.

Submission:

Ambry Genetics
Classification: Uncertain significance for Hereditary cancer-predisposing syndrome. Last evaluated: 2024-03-13. Review status: criteria provided, single submitter. Criteria: Ambry Variant Classification Scheme 2023. Collection method: clinical testing. Allele origin: germline.
Comment: The c.301_303dupGTG variant (also known as p.V101dup), located in coding exon 3 of the RAD50 gene, results from an in-frame duplication of GTG at nucleotide positions 301 to 303. This results in the duplication of an extra valine residue between codons 101 and 102. This amino acid position is not well conserved in available vertebrate species. In addition, the in silico prediction for this alteration is inconclusive (Choi Y et al. PLoS ONE. 2012; 7(10):e46688). Based on the available evidence, the clinical significance of this alteration remains unclear.

NM_005732.4(RAD50):c.301_303dup (p.Val101dup)

Gene: RAD50 (RAD50 double strand break repair protein; plus strand). Cytogenetic location: 5q31.1.
Variant type: Duplication.
Coding change: c.301_303dup on transcript NM_005732.4 (MANE Select); coding-DNA positions 301 to 303, 3 bases duplicated (GTG; older notation c.301_303dupGTG).
Protein change: p.Val101dup; duplicates valine 101.
Molecular consequence: inframe insertion.
Genome position (GRCh38, 1-based): chr5:132,575,864-132,575,866, GTG duplicated; duplicating any 3 consecutive bases within chr5:132,575,862-132,575,866 gives the same sequence; the c. name uses the placement nearest the transcript's 3' end. VCF-style (leftmost placement, unchanged base first): chr5-132575861-A-ATGG. GRCh37 (hg19) VCF-style: chr5-131911553-A-ATGG.
Identifiers: ClinVar variation 822589 (VCV000822589.4), dbSNP rs1580985093, ClinGen allele CA915943533.